The following is an entry in ClinVar:

ClinVar aggregate classification (germline): Pathogenic/Likely pathogenic. Review status: criteria provided, multiple submitters, no conflicts (2 of 4 stars). 8 submissions from 8 submitters: Pathogenic (6); Likely pathogenic (1). 1 of the submissions does not count toward it. Last evaluated 2025-05-04.

Conditions:
Hyper-IgM syndrome type 1. Also called: Hyper-IgM Immunodeficiency Syndrome, Type 1; CD40 Ligand Deficiency; Immunodeficiency, X-linked, with hyper-IgM; X-linked hyper-IgM syndrome. Identifiers: Orphanet 101088, MedGen C0398689, MONDO:0010626, OMIM 308230.

Allele frequency attached by ClinVar (database versions not stated): gnomAD exomes below 0.00001.
gnomAD v4.1: 1 of 1,203,161 alleles (0.000083%); highest among the groups gnomAD compares: Non-Finnish European, 0.00011%; no homozygotes.

Submissions (8):

Labcorp Genetics (formerly Invitae), Labcorp
Classification: Pathogenic for Hyper-IgM syndrome type 1. Last evaluated: 2025-05-04. Review status: criteria provided, single submitter. Criteria: Invitae Variant Classification Sherloc (09022015). Collection method: clinical testing. Allele origin: germline.
Comment: This sequence change creates a premature translational stop signal (p.Arg11*) in the CD40LG gene. It is expected to result in an absent or disrupted protein product. Loss-of-function variants in CD40LG are known to be pathogenic (PMID: 15319456). This variant is not present in population databases (gnomAD no frequency). This premature translational stop signal has been observed in individual(s) with X-linked hyper-IgM syndrome (PMID: 9746782, 16169277, 22009004, 30405923). ClinVar contains an entry for this variant (Variation ID: 35812). For these reasons, this variant has been classified as Pathogenic.

Neuberg Centre For Genomic Medicine, NCGM
Classification: Pathogenic for Hyper-IgM syndrome type 1. Last evaluated: 2023-05-20. Review status: criteria provided, single submitter. Criteria: ACMG Guidelines, 2015. Collection method: clinical testing. Allele origin: germline. Inheritance: X-linked recessive inheritance. Affected: yes.
Comment: The observed stop gained c.31C>T (p.Arg11Ter) variant in CD40LG gene has been previously reported in multiple individuals affected with hyper-IgM syndrome (Blaeser et al., 2005; Seyama et al., 1998; Kiani-Alikhan et al., 2012; Kutukculer et al., 2018). Experimental studies showed this variant to affect CD40LG function (Blaeser et al., 2005; Seyama et al., 1998; Kiani-Alikhan et al., 2012). The p.Arg11Ter variant is absent in gnomAD Exomes. This variant has been reported to the ClinVar database as Pathogenic (multiple submissions). Computational evidence (MutationTaster - Disease causing) predicts damaging effect on protein structure and function for this variant. The reference amino acid of p.Arg11Ter in CD40LG is predicted as conserved by GERP++ and PhyloP across 100 vertebrates. This sequence change creates a premature translational stop signal (p.Arg11Ter) in the CD40LG gene. This variant is predicted to cause loss of normal protein function through protein truncation. Loss of function variants in CD40LG gene have been previously reported to be pathogenic (Etzioni and Ochs, 2004). For these reasons, this variant has been classified as Pathogenic.

Fulgent Genetics
Classification: Pathogenic for Hyper-IgM syndrome type 1. Last evaluated: 2018-10-31. Review status: criteria provided, single submitter. Criteria: ACMG Guidelines, 2015. Collection method: clinical testing. Allele origin: unknown.

CeGaT Center for Human Genetics Tuebingen
Classification: Pathogenic. Last evaluated: 2018-07-01. Review status: criteria provided, single submitter. Criteria: CeGaT Center For Human Genetics Tuebingen Variant Classification Criteria Version 2. Collection method: clinical testing. Allele origin: germline. Affected: yes. Observed: 2 variant alleles.

ARUP Laboratories, Molecular Genetics and Genomics, ARUP Laboratories
Classification: Pathogenic. Last evaluated: 2016-12-05. Review status: criteria provided, single submitter. Criteria: ARUP Molecular Germline Variant Investigation Process. Collection method: clinical testing. Allele origin: germline.

Women's Health and Genetics/Laboratory Corporation of America, LabCorp
Classification: Pathogenic for Hyper IgM Syndrome Type 1. Last evaluated: 2011-08-18. Review status: criteria provided, single submitter. Criteria: LabCorp Variant Classification Summary - May 2015. Collection method: curation, clinical testing. Allele origin: germline. Inheritance: Xlinked recessive. Affected: yes. Observed: 5 variant alleles.
ClinVar note: Converted during submission from pathogenic to Pathogenic.

Juno Genomics, Hangzhou Juno Genomics, Inc
Classification: Likely pathogenic for Hyper-IgM syndrome type 1. Review status: criteria provided, single submitter. Criteria: ACMG Guidelines, 2015. Collection method: clinical testing. Allele origin: germline.
Comment: Absent from controls (or at extremely low frequency if recessive) in Genome Aggregation Database.;Null variant in a gene where loss of function (LOF) is a known mechanism of disease.;The prevalence of the variant in affected individuals is significantly increased compared to the prevalence in controls.;Co-segregation with disease in multiple affected family members.

GeneReviews
No classification provided. Condition: Hyper-IgM syndrome type 1. Review status: no classification provided. Collection method: literature only. Allele origin: germline. Not counted in ClinVar's aggregate classification.

Literature cited by the submitters: PubMed 15319456 (cited by Labcorp Genetics (formerly Invitae), Labcorp); PubMed 9746782 (cited by Labcorp Genetics (formerly Invitae), Labcorp and GeneReviews); PubMed 16169277 (cited by Labcorp Genetics (formerly Invitae), Labcorp and Women's Health and Genetics/Laboratory Corporation of America, LabCorp); PubMed 22009004 (cited by Labcorp Genetics (formerly Invitae), Labcorp); PubMed 30405923 (cited by Labcorp Genetics (formerly Invitae), Labcorp); PubMed 18955577 (cited by Women's Health and Genetics/Laboratory Corporation of America, LabCorp); PubMed 17351759 (cited by Women's Health and Genetics/Laboratory Corporation of America, LabCorp); PubMed 15358621 (cited by GeneReviews); PubMed 20301576 (cited by GeneReviews).

NM_000074.3(CD40LG):c.31C>T (p.Arg11Ter)

Gene: CD40LG (CD40 ligand; plus strand). Cytogenetic location: Xq26.3.
Variant type: single nucleotide variant.
Coding change: c.31C>T on transcript NM_000074.3 (MANE Select); coding-DNA position 31, C replaced by T.
Protein change: p.Arg11Ter; replaces arginine 11 with a stop codon.
Molecular consequence: nonsense.
Genome position (GRCh38, 1-based): chrX:136,648,279, C>T. VCF-style: chrX-136648279-C-T. GRCh37 (hg19) VCF-style: chrX-135730438-C-T.
Other names: short protein forms R11*.
Identifiers: ClinVar variation 35812 (VCV000035812.60), dbSNP rs193922135, ClinGen allele CA260203.